The following is an entry in ClinVar:

ClinVar aggregate classification (germline): Uncertain significance (1 of 4 stars; one submission).

Conditions:
Gastrointestinal stromal tumor. Also called: Gastrointestinal stroma tumor; Gastrointestinal stromal tumor, somatic. Identifiers: Orphanet 44890, MedGen C0238198, MeSH D046152, MONDO:0011719, OMIM 606764, HP:0100723.

Allele frequency attached by ClinVar (database versions not stated): gnomAD exomes below 0.00001; TOPMed below 0.00001.
gnomAD v4.1: 1 of 1,613,784 alleles (0.000062%); highest among the groups gnomAD compares: African/African-American, 0.0013%; no homozygotes.

Submission:

Labcorp Genetics (formerly Invitae), Labcorp
Classification: Uncertain significance for Gastrointestinal stromal tumor. Last evaluated: 2023-08-28. Review status: criteria provided, single submitter. Criteria: Invitae Variant Classification Sherloc (09022015). Collection method: clinical testing. Allele origin: germline.
Comment: An algorithm developed to predict the effect of missense changes on protein structure and function (PolyPhen-2) suggests that this variant is likely to be tolerated. In summary, the available evidence is currently insufficient to determine the role of this variant in disease. Therefore, it has been classified as a Variant of Uncertain Significance. This sequence change replaces arginine, which is basic and polar, with histidine, which is basic and polar, at codon 122 of the KIT protein (p.Arg122His). This variant is not present in population databases (gnomAD no frequency). This variant has not been reported in the literature in individuals affected with KIT-related conditions.

NM_000222.3(KIT):c.365G>A (p.Arg122His)

Gene: KIT (KIT proto-oncogene, receptor tyrosine kinase; plus strand). Cytogenetic location: 4q12.
Variant type: single nucleotide variant.
Coding change: c.365G>A on transcript NM_000222.3 (MANE Select); coding-DNA position 365, G replaced by A.
Protein change: p.Arg122His; replaces arginine 122 with histidine.
Molecular consequence: missense variant.
Genome position (GRCh38, 1-based): chr4:54,698,311, G>A. VCF-style: chr4-54698311-G-A. GRCh37 (hg19) VCF-style: chr4-55564477-G-A.
Other names: c.365G>A, p.Arg122His (NM_001385286.1, NM_001385288.1, NM_001385290.1 and 4 more transcripts); short protein forms R122H.
Identifiers: ClinVar variation 1391363 (VCV001391363.6), dbSNP rs1720218851, ClinGen allele CA356897431.